The following is an entry in ClinVar:

NC_012920.1(MT-TW):m.5539A>G

Gene: MT-TW (mitochondrially encoded tRNA tryptophan; plus strand).
Variant type: single nucleotide variant.
Genome position: chrM-5539-A-G.
Identifiers: ClinVar variation 689931 (VCV000689931.1), dbSNP rs1603220013, ClinGen allele CA913179797.

ClinVar aggregate classification (germline): Benign (1 of 4 stars; one submission).

Conditions:
MELAS syndrome (MELAS). Also called: Juvenile myopathy, encephalopathy, lactic acidosis, stroke. Identifiers: Orphanet 550, MedGen C0162671, MONDO:0010789, OMIM 540000.

Submission:

Wong Mito Lab, Molecular and Human Genetics, Baylor College of Medicine
Classification: Benign for MELAS syndrome. Last evaluated: 2019-07-12. Review status: criteria provided, single submitter. Criteria: Modified ACMG Guidelines (Unpublished). Collection method: clinical testing. Allele origin: germline.
Comment: The NC_012920.1:m.5539A>G variant in MT-TW gene is interpreted to be a Benign variant based on the modified ACMG guidelines (unpublished). This variant meets the following evidence codes reported in the guidelines: BS1, BS2, BP4

Literature cited by the submitters: PubMed 31965079.